The following is an entry in ClinVar:

ClinVar aggregate classification (germline): Uncertain significance (1 of 4 stars; one submission).

Submission:

Biesecker Lab/Clinical Genomics Section, National Institutes of Health
Classification: Uncertain significance. Last evaluated: 2013-06-24. Review status: criteria provided, single submitter. Criteria: Ng et al. (Circ Cardiovasc Genet. 2013). Collection method: research. Allele origin: unknown. Observed: 1 variant allele. Study: ClinSeq.
Comment: The study set was not selected for affection status in relation to any cancer. Pathogenicity categories were based on literature curation. See Pubmed ID:23861362 for details.

Medical sequencing

NM_005751.5(AKAP9):c.5534A>G (p.Asn1845Ser)

Gene: AKAP9 (A-kinase anchoring protein 9; plus strand). Cytogenetic location: 7q21.2.
Variant type: single nucleotide variant.
Coding change: c.5534A>G on transcript NM_005751.5 (MANE Select); coding-DNA position 5534, A replaced by G.
Protein change: p.Asn1845Ser; replaces asparagine 1845 with serine.
Molecular consequence: missense variant.
Genome position (GRCh38, 1-based): chr7:92,052,891, A>G. VCF-style: chr7-92052891-A-G. GRCh37 (hg19) VCF-style: chr7-91682205-A-G.
Other names: c.5534A>G, p.Asn1845Ser (NM_147185.3); short protein forms N1845S.
Identifiers: ClinVar variation 191388 (VCV000191388.1), dbSNP rs786205261, ClinGen allele CA236488.